The following is an entry in ClinVar:

NM_021008.4(DEAF1):c.1574C>T (p.Ser525Phe)

Gene: DEAF1 (DEAF1 transcription factor; minus strand). Cytogenetic location: 11p15.5.
Variant type: single nucleotide variant.
Coding change: c.1574C>T on transcript NM_021008.4 (MANE Select); coding-DNA position 1574, C replaced by T.
Protein change: p.Ser525Phe; replaces serine 525 with phenylalanine.
Molecular consequence: missense variant.
Genome position (GRCh38, 1-based): chr11:653,981, G>A on the plus strand (C>T on the coding strand, the complement: DEAF1 is on the minus strand). VCF-style: chr11-653981-G-A. GRCh37 (hg19) VCF-style: chr11-653981-G-A.
Other names: c.1349C>T, p.Ser450Phe (NM_001293634.2); c.848C>T, p.Ser283Phe (NM_001367390.1); short protein forms S450F, S525F, S283F.
Identifiers: ClinVar variation 2759231 (VCV002759231.3), dbSNP rs2494258255, ClinGen allele CA379015844.

ClinVar aggregate classification (germline): Uncertain significance (1 of 4 stars; one submission).

Allele frequency attached by ClinVar (database versions not stated): gnomAD exomes below 0.00001.
gnomAD v4.1: 1 of 1,613,890 alleles (0.000062%); highest among the groups gnomAD compares: Non-Finnish European, 0.000085%; no homozygotes.

Submission:

Labcorp Genetics (formerly Invitae), Labcorp
Classification: Uncertain significance. Last evaluated: 2023-09-09. Review status: criteria provided, single submitter. Criteria: Invitae Variant Classification Sherloc (09022015). Collection method: clinical testing. Allele origin: germline.
Comment: In summary, the available evidence is currently insufficient to determine the role of this variant in disease. Therefore, it has been classified as a Variant of Uncertain Significance. Advanced modeling of protein sequence and biophysical properties (such as structural, functional, and spatial information, amino acid conservation, physicochemical variation, residue mobility, and thermodynamic stability) performed at Invitae indicates that this missense variant is expected to disrupt DEAF1 protein function. This variant has not been reported in the literature in individuals affected with DEAF1-related conditions. This variant is not present in population databases (gnomAD no frequency). This sequence change replaces serine, which is neutral and polar, with phenylalanine, which is neutral and non-polar, at codon 525 of the DEAF1 protein (p.Ser525Phe).